The following is an entry in ClinVar:

ClinVar aggregate classification (germline): Likely pathogenic (0 of 4 stars; one submission).

Conditions:
Lysinuric protein intolerance (LPI). Identifiers: Orphanet 470, MedGen C0268647, MONDO:0009109, OMIM 222700.

Submission:

Juha Muilu Group; Institute for Molecular Medicine Finland (FIMM)
Classification: Likely pathogenic for Lysinuric protein intolerance. Review status: no assertion criteria provided. Collection method: not provided. Allele origin: unknown.
Comment: FinDis database variant: This variant was not found or characterized by our laboratory, data were collected from public sources: see reference
ClinVar note: Converted during submission from probable-pathogenic to Likely pathogenic.

NM_003982.4(SLC7A7):c.1262del (p.Pro421fs)

Gene: SLC7A7 (solute carrier family 7 member 7; minus strand). Cytogenetic location: 14q11.2.
Variant type: Deletion.
Coding change: c.1262del on transcript NM_003982.4 (MANE Select); coding-DNA position 1262, one base deleted (C; older notation c.1262delC).
Protein change: p.Pro421fs; shifts the reading frame from proline 421.
Molecular consequence: frameshift variant.
Genome position (GRCh38, 1-based): chr14:22,774,100, G deleted on the plus strand (C on the coding strand, the reverse complement: SLC7A7 is on the minus strand); the first of 3 consecutive G bases (chr14:22,774,100-22,774,102); deleting any one gives the same sequence. VCF-style (leftmost placement, unchanged base first): chr14-22774099-CG-C. GRCh37 (hg19) VCF-style: chr14-23243308-CG-C.
Other names: c.1262delC (NM_001126105.2); c.1262del, p.Pro421fs (NM_001126105.3, NM_001126106.4); short protein forms P421fs.
Identifiers: ClinVar variation 56353 (VCV000056353.2), dbSNP rs386833801, ClinGen allele CA263776.